The following is an entry in ClinVar:

ClinVar aggregate classification (germline): Pathogenic. Review status: criteria provided, single submitter (1 of 4 stars). 2 submissions from 2 submitters: Pathogenic (1). 1 of the submissions does not count toward it. Last evaluated 2025-01-05.

Conditions:
Tuberous sclerosis syndrome (TSC). Also called: Tuberous Sclerosis Complex; Tuberous sclerosis. Identifiers: Orphanet 805, MedGen C0041341, MONDO:0001734.
Tuberous sclerosis 2 (TSC2). Identifiers: Orphanet 805, MedGen C1860707, MONDO:0013199, OMIM 613254.

Submissions (2):

Labcorp Genetics (formerly Invitae), Labcorp
Classification: Pathogenic for Tuberous sclerosis 2. Last evaluated: 2025-01-05. Review status: criteria provided, single submitter. Criteria: Invitae Variant Classification Sherloc (09022015). Collection method: clinical testing. Allele origin: germline.
Comment: This sequence change affects a donor splice site in intron 24 of the TSC2 gene. It is expected to disrupt RNA splicing. Variants that disrupt the donor or acceptor splice site typically lead to a loss of protein function (PMID: 16199547), and loss-of-function variants in TSC2 are known to be pathogenic (PMID: 10205261, 17304050). This variant is not present in population databases (gnomAD no frequency). Disruption of this splice site has been observed in individual(s) with tuberous sclerosis complex (PMID: 10570911; internal data). This variant is also known as 2760 +1 G to A. ClinVar contains an entry for this variant (Variation ID: 49746). Algorithms developed to predict the effect of sequence changes on RNA splicing suggest that this variant may disrupt the consensus splice site. For these reasons, this variant has been classified as Pathogenic.

Tuberous sclerosis database (TSC2)
No classification provided. Condition: TSC. Review status: no classification provided. Criteria: Tuberous Sclerosis Database Assertion Criteria 2015. Collection method: curation. Allele origin: germline. Affected: yes. Not counted in ClinVar's aggregate classification.

Literature cited by the submitters: PubMed 16199547 (cited by Labcorp Genetics (formerly Invitae), Labcorp); PubMed 10205261 (cited by Labcorp Genetics (formerly Invitae), Labcorp); PubMed 17304050 (cited by Labcorp Genetics (formerly Invitae), Labcorp); PubMed 10570911 (cited by Labcorp Genetics (formerly Invitae), Labcorp).

NM_000548.5(TSC2):c.2742+1G>A

Gene: TSC2 (TSC complex subunit 2; plus strand). Cytogenetic location: 16p13.3.
Variant type: single nucleotide variant.
Coding change: c.2742+1G>A on transcript NM_000548.5 (MANE Select); the canonical splice donor site of the intron after coding-DNA position 2742, G replaced by A.
Molecular consequence: splice donor variant.
Genome position (GRCh38, 1-based): chr16:2,076,171, G>A. VCF-style: chr16-2076171-G-A. GRCh37 (hg19) VCF-style: chr16-2126172-G-A.
Other names: c.1398+1G>A (NM_001406693.1, NM_001406689.1, NM_001406690.1 and 6 more transcripts); c.2832+1G>A (NM_001406667.1, NM_001406668.1); c.2142+1G>A (NM_001406680.1, NM_001406683.1, NM_001406687.1 and 6 more transcripts); c.1140+1G>A (NM_001406698.1); c.2742+1G>A (NM_001114382.3, NM_001406663.1, NM_001406664.1 and 6 more transcripts); c.2730+1G>A (NM_001406671.1, NM_001406673.1); c.2280+1G>A (NM_001406681.1); c.2631+1G>A (NM_001406670.1, NM_001318827.2, NM_001406678.1); and 3 more.
Identifiers: ClinVar variation 49746 (VCV000049746.7), dbSNP rs45517262, ClinGen allele CA017990.